The following is an entry in ClinVar:

ClinVar aggregate classification (germline): Uncertain significance. Review status: criteria provided, multiple submitters, no conflicts (2 of 4 stars). 2 submissions from 2 submitters: Uncertain significance (2). Last evaluated 2024-09-20.

Allele frequency attached by ClinVar (database versions not stated): TOPMed below 0.00001; gnomAD 0.00001; gnomAD exomes 0.00001; ExAC 0.00011; 1000 Genomes Project 30x 0.00016; 1000 Genomes Project 0.00020.
gnomAD v4.1: 7 of 1,536,862 alleles (0.00046%); highest among the groups gnomAD compares: South Asian, 0.0048%; no homozygotes.

Submissions (2):

Labcorp Genetics (formerly Invitae), Labcorp
Classification: Uncertain significance. Last evaluated: 2024-09-20. Review status: criteria provided, single submitter. Criteria: Invitae Variant Classification Sherloc (09022015). Collection method: clinical testing. Allele origin: germline.
Comment: This sequence change replaces histidine, which is basic and polar, with tyrosine, which is neutral and polar, at codon 61 of the ZBTB20 protein (p.His61Tyr). The frequency data for this variant in the population databases is considered unreliable, as metrics indicate poor data quality at this position in the gnomAD database. This variant has not been reported in the literature in individuals affected with ZBTB20-related conditions. ClinVar contains an entry for this variant (Variation ID: 1319292). Invitae Evidence Modeling of protein sequence and biophysical properties (such as structural, functional, and spatial information, amino acid conservation, physicochemical variation, residue mobility, and thermodynamic stability) indicates that this missense variant is not expected to disrupt ZBTB20 protein function with a negative predictive value of 95%. In summary, the available evidence is currently insufficient to determine the role of this variant in disease. Therefore, it has been classified as a Variant of Uncertain Significance.

Institute for Clinical Genetics, University Hospital TU Dresden, University Hospital TU Dresden
Classification: Uncertain significance. Last evaluated: 2021-11-03. Review status: criteria provided, single submitter. Criteria: ACMG Guidelines, 2015. Collection method: clinical testing. Allele origin: germline.

NM_001348800.3(ZBTB20):c.181C>T (p.His61Tyr)

Genes: ZBTB20 (zinc finger and BTB domain containing 20; minus strand), ZBTB20-AS1 (ZBTB20 antisense RNA 1; plus strand). Cytogenetic location: 3q13.31.
Variant type: single nucleotide variant.
Coding change: c.181C>T on transcript NM_001348800.3 (MANE Select); coding-DNA position 181, C replaced by T.
Protein change: p.His61Tyr; replaces histidine 61 with tyrosine.
Molecular consequence: missense variant. On other transcripts: 5 prime UTR variant (12), non-coding transcript variant (1).
Genome position (GRCh38, 1-based): chr3:114,380,235, G>A on the plus strand (C>T on the coding strand, the complement: ZBTB20 is on the minus strand). VCF-style: chr3-114380235-G-A. GRCh37 (hg19) VCF-style: chr3-114099082-G-A.
Other names: c.181C>T, p.His61Tyr (NM_001164342.2, NM_001348803.3, NM_001393393.1 and 1 more transcripts); c.-39C>T (NM_001164343.2, NM_001164344.4, NM_001164345.4 and 9 more transcripts); short protein forms H61Y.
Identifiers: ClinVar variation 1319292 (VCV001319292.5), dbSNP rs555893786, ClinGen allele CA2551473.